The following is an entry in ClinVar:

ClinVar aggregate classification (germline): Uncertain significance. Review status: criteria provided, multiple submitters, no conflicts (2 of 4 stars). 2 submissions from 2 submitters: Uncertain significance (2). Last evaluated 2025-07-11.

Conditions:
Alagille syndrome due to a JAG1 point mutation. Also called: HEPATIC DUCTULAR HYPOPLASIA, SYNDROMATIC; Alagille Syndrome 1; JAG1-Related Alagille Syndrome. Identifiers: Orphanet 261619, Orphanet 52, MedGen C1956125, MONDO:0016862, OMIM 118450.

Submissions (2):

GeneDx
Classification: Uncertain significance. Last evaluated: 2025-07-11. Review status: criteria provided, single submitter. Criteria: GeneDx Variant Classification Process June 2021. Collection method: clinical testing. Allele origin: germline. Affected: yes.
Comment: Not observed at significant frequency in large population cohorts (gnomAD); In silico analysis supports that this missense variant has a deleterious effect on protein structure/function; Has not been previously published as pathogenic or benign to our knowledge

Neuberg Centre For Genomic Medicine, NCGM
Classification: Uncertain significance for Alagille syndrome due to a JAG1 point mutation. Last evaluated: 2023-06-22. Review status: criteria provided, single submitter. Criteria: ACMG Guidelines, 2015. Collection method: clinical testing. Allele origin: germline. Inheritance: Autosomal dominant inheritance. Affected: yes.
Comment: The observed missense c.3047T>Cp.Ile1016Thr variant, lying adjacent to the splice region of JAG1 gene has not been reported previously as a pathogenic variant nor as a benign variant, to our knowledge. The p.Ile1016Thr variant is absent in gnomAD exomes. This variant has not been submitted to the ClinVar database. Multiple lines of computational evidences Polyphen - Probably damaging, SIFT - Damaging and MutationTaster - Disease causing predict a damaging effect on protein structure and function for this variant. The reference amino acid change at this position on JAG1 gene is predicted as conserved by GERP++ and PhyloP across 100 vertebrates. The amino acid Ile at position 1016 is changed to a Thr changing protein sequence and it might alter its composition and physico-chemical properties. For these reasons, this variant has been classified as a Variant of Uncertain Significance VUS.

NM_000214.3(JAG1):c.3047T>C (p.Ile1016Thr)

Gene: JAG1 (jagged canonical Notch ligand 1; minus strand). Cytogenetic location: 20p12.2.
Variant type: single nucleotide variant.
Coding change: c.3047T>C on transcript NM_000214.3 (MANE Select); coding-DNA position 3047, T replaced by C.
Protein change: p.Ile1016Thr; replaces isoleucine 1016 with threonine.
Molecular consequence: missense variant.
Genome position (GRCh38, 1-based): chr20:10,641,114, A>G on the plus strand (T>C on the coding strand, the complement: JAG1 is on the minus strand). VCF-style: chr20-10641114-A-G. GRCh37 (hg19) VCF-style: chr20-10621762-A-G.
Other names: c.3047T>C (NM_000214.2); short protein forms I1016T.
Identifiers: ClinVar variation 3391302 (VCV003391302.2).